The following is an entry in ClinVar:

ClinVar aggregate classification (germline): Uncertain significance (1 of 4 stars; one submission).

Conditions:
Danon disease. Also called: ANTOPOL DISEASE; PSEUDOGLYCOGENOSIS II; GSD IIb; LYSOSOMAL GLYCOGEN STORAGE DISEASE WITHOUT ACID MALTASE DEFICIENCY; Glycogen Storage Disease Type IIb. Identifiers: Orphanet 34587, MedGen C0878677, MONDO:0010281, OMIM 300257.

Submission:

Labcorp Genetics (formerly Invitae), Labcorp
Classification: Uncertain significance for Danon disease. Last evaluated: 2025-05-25. Review status: criteria provided, single submitter. Criteria: Invitae Variant Classification Sherloc (09022015). Collection method: clinical testing. Allele origin: germline.
Comment: This sequence change replaces threonine, which is neutral and polar, with isoleucine, which is neutral and non-polar, at codon 196 of the LAMP2 protein (p.Thr196Ile). This variant is not present in population databases (gnomAD no frequency). This variant has not been reported in the literature in individuals affected with LAMP2-related conditions. Invitae Evidence Modeling of protein sequence and biophysical properties (such as structural, functional, and spatial information, amino acid conservation, physicochemical variation, residue mobility, and thermodynamic stability) indicates that this missense variant is expected to disrupt LAMP2 protein function with a positive predictive value of 80%. In summary, the available evidence is currently insufficient to determine the role of this variant in disease. Therefore, it has been classified as a Variant of Uncertain Significance.

NM_002294.3(LAMP2):c.587C>T (p.Thr196Ile)

Gene: LAMP2 (lysosome associated membrane protein 2; minus strand). Cytogenetic location: Xq24.
Variant type: single nucleotide variant.
Coding change: c.587C>T on transcript NM_002294.3 (MANE Select); coding-DNA position 587, C replaced by T.
Protein change: p.Thr196Ile; replaces threonine 196 with isoleucine.
Molecular consequence: missense variant.
Genome position (GRCh38, 1-based): chrX:120,447,995, G>A on the plus strand (C>T on the coding strand, the complement: LAMP2 is on the minus strand). VCF-style: chrX-120447995-G-A. GRCh37 (hg19) VCF-style: chrX-119581850-G-A.
Other names: c.587C>T, p.Thr196Ile (NM_001122606.1, NM_013995.2); short protein forms T196I.
Identifiers: ClinVar variation 4808890 (VCV004808890.1).